The following is an entry in ClinVar:

NM_005263.5(GFI1):c.863T>A (p.Met288Lys)

Gene: GFI1 (growth factor independent 1 transcriptional repressor; minus strand). Cytogenetic location: 1p22.1.
Variant type: single nucleotide variant.
Coding change: c.863T>A on transcript NM_005263.5 (MANE Select); coding-DNA position 863, T replaced by A.
Protein change: p.Met288Lys; replaces methionine 288 with lysine.
Molecular consequence: missense variant.
Genome position (GRCh38, 1-based): chr1:92,480,409, A>T on the plus strand (T>A on the coding strand, the complement: GFI1 is on the minus strand). VCF-style: chr1-92480409-A-T. GRCh37 (hg19) VCF-style: chr1-92945966-A-T.
Other names: c.863T>A, p.Met288Lys (NM_001127215.3, NM_001127216.3); short protein forms M288K.
Identifiers: ClinVar variation 4858056 (VCV004858056.1).

ClinVar aggregate classification (germline): Uncertain significance (1 of 4 stars; one submission).

Submission:

Ambry Genetics
Classification: Uncertain significance. Last evaluated: 2026-05-14. Review status: criteria provided, single submitter. Criteria: Ambry Variant Classification Scheme 2023. Collection method: clinical testing. Allele origin: germline.
Comment: The p.M288K variant (also known as c.863T>A), located in coding exon 4 of the GFI1 gene, results from a T to A substitution at nucleotide position 863. The methionine at codon 288 is replaced by lysine, an amino acid with similar properties. This amino acid position is conserved. In addition, this alteration is predicted to be tolerated by in silico analysis. Based on the available evidence, the clinical significance of this variant remains unclear.